The following is an entry in ClinVar:

ClinVar aggregate classification (germline): Uncertain significance (1 of 4 stars; one submission).

Conditions:
Epileptic encephalopathy. Identifiers: MedGen C0543888, HP:0200134.

Allele frequency attached by ClinVar (database versions not stated): TOPMed 0.00001.
gnomAD v4.1: 8 of 1,611,698 alleles (0.0005%); highest among the groups gnomAD compares: East Asian, 0.0067%; no homozygotes.

Submission:

Labcorp Genetics (formerly Invitae), Labcorp
Classification: Uncertain significance for Epileptic encephalopathy. Last evaluated: 2021-12-10. Review status: criteria provided, single submitter. Criteria: Invitae Variant Classification Sherloc (09022015). Collection method: clinical testing. Allele origin: germline.
Comment: This variant has not been reported in the literature in individuals affected with FASN-related conditions. In summary, the available evidence is currently insufficient to determine the role of this variant in disease. Therefore, it has been classified as a Variant of Uncertain Significance. Algorithms developed to predict the effect of missense changes on protein structure and function output the following: SIFT: "Tolerated"; PolyPhen-2: "Benign"; Align-GVGD: "Class C0". The serine amino acid residue is found in multiple mammalian species, which suggests that this missense change does not adversely affect protein function. The frequency data for this variant in the population databases is considered unreliable, as metrics indicate poor data quality at this position in the gnomAD database. This sequence change replaces threonine, which is neutral and polar, with serine, which is neutral and polar, at codon 1420 of the FASN protein (p.Thr1420Ser).

NM_004104.5(FASN):c.4259C>G (p.Thr1420Ser)

Gene: FASN (fatty acid synthase; minus strand). Cytogenetic location: 17q25.3.
Variant type: single nucleotide variant.
Coding change: c.4259C>G on transcript NM_004104.5 (MANE Select); coding-DNA position 4259, C replaced by G.
Protein change: p.Thr1420Ser; replaces threonine 1420 with serine.
Molecular consequence: missense variant.
Genome position (GRCh38, 1-based): chr17:82,085,266, G>C on the plus strand (C>G on the coding strand, the complement: FASN is on the minus strand). VCF-style: chr17-82085266-G-C. GRCh37 (hg19) VCF-style: chr17-80043142-G-C.
Other names: short protein forms T1420S.
Identifiers: ClinVar variation 2153660 (VCV002153660.4), dbSNP rs770820017, ClinGen allele CA8852134.